The following is an entry in ClinVar:

ClinVar aggregate classification (germline): Benign/Likely benign. Review status: criteria provided, multiple submitters, no conflicts (2 of 4 stars). 9 submissions from 9 submitters: Benign (2); Likely benign (6). 1 of the submissions does not count toward it. Last evaluated 2026-05-20.

Conditions:
NF1-related disorder. Also called: NF1-related condition. Identifiers: MedGen CN379171.
Hereditary cancer-predisposing syndrome. Also called: Tumor predisposition; Hereditary neoplastic syndrome; Neoplastic Syndromes, Hereditary; Hereditary Cancer Syndrome. Identifiers: Orphanet 140162, MedGen C0027672, MeSH D009386, MONDO:0015356.
Neurofibromatosis, type 1 (NF1). Also called: Neurofibromatosis, type I; NEUROFIBROMATOSIS, TYPE I, SOMATIC; VON RECKLINGHAUSEN DISEASE; Peripheral type neurofibromatosis. Identifiers: Orphanet 636, MedGen C0027831, MONDO:0018975, OMIM 162200. Disease mechanism: loss of function.

Allele frequency attached by ClinVar (database versions not stated): gnomAD exomes 0.00002 and 0.00005; TOPMed 0.00002; gnomAD 0.00004 and 0.00003; ExAC 0.00003.
gnomAD v4.1: 83 of 1,612,726 alleles (0.0051%); highest among the groups gnomAD compares: Non-Finnish European, 0.0069%; no homozygotes.

Submissions (9):

Myriad Genetics, Inc.
Classification: Benign for Neurofibromatosis, type 1. Last evaluated: 2026-05-20. Review status: criteria provided, single submitter. Criteria: Myriad Autosomal Dominant, Autosomal Recessive and X-Linked Classification Criteria (2023). Collection method: clinical testing. Allele origin: unknown.
Comment: This variant is considered benign. This variant is a silent/synonymous amino acid change and it is not expected to impact splicing.

Labcorp Genetics (formerly Invitae), Labcorp
Classification: Likely benign for Neurofibromatosis, type 1. Last evaluated: 2026-01-19. Review status: criteria provided, single submitter. Criteria: Invitae Variant Classification Sherloc (09022015). Collection method: clinical testing. Allele origin: germline.

Women's Health and Genetics/Laboratory Corporation of America, LabCorp
Classification: Likely benign. Last evaluated: 2023-03-20. Review status: criteria provided, single submitter. Criteria: LabCorp Variant Classification Summary - May 2015. Collection method: clinical testing. Allele origin: germline.
Comment: Variant summary: NF1 c.5730T>C alters a conserved nucleotide resulting in a synonymous change. One computational tool predicts the variant may affect splicing. However, this prediction has yet to be confirmed by functional studies. The variant allele was found at a frequency of 2.4e-05 in 251072 control chromosomes. The available data on variant occurrences in the general population are insufficient to allow any conclusion about variant significance. c.5730T>C has been reported in the literature in individuals affected with breast cancer. These report(s) do not provide unequivocal conclusions about association of the variant with Neurofibromatosis Type 1. To our knowledge, no experimental evidence demonstrating an impact on protein function has been reported. Five clinical diagnostic laboratories have submitted clinical-significance assessments for this variant to ClinVar after 2014 without evidence for independent evaluation. All laboratories classified the variant as benign/likely benign. Based on the evidence outlined above, the variant was classified as likely benign.

Medical Genetics, University of Parma
Classification: Benign for Neurofibromatosis, type 1. Last evaluated: 2022-08-17. Review status: criteria provided, single submitter. Criteria: ACMG Guidelines, 2015. Collection method: clinical testing. Allele origin: germline. Inheritance: Autosomal dominant inheritance. Affected: yes.

Genome-Nilou Lab
Classification: Likely benign for Neurofibromatosis, type 1. Last evaluated: 2022-03-15. Review status: criteria provided, single submitter. Criteria: ACMG Guidelines, 2015. Collection method: clinical testing. Allele origin: germline. Affected: no.

Sema4
Classification: Likely benign for Hereditary cancer-predisposing syndrome. Last evaluated: 2020-11-17. Review status: criteria provided, single submitter. Criteria: Sema4 Curation Guidelines. Collection method: curation. Allele origin: germline.

GeneDx
Classification: Likely benign. Last evaluated: 2019-08-29. Review status: criteria provided, single submitter. Criteria: GeneDx Variant Classification Process June 2021. Collection method: clinical testing. Allele origin: germline. Affected: yes.

Ambry Genetics
Classification: Likely benign for Hereditary cancer-predisposing syndrome. Last evaluated: 2014-12-30. Review status: criteria provided, single submitter. Criteria: Ambry Autosomal Dominant and X-Linked criteria (10/2015). Collection method: clinical testing. Allele origin: germline. Observed: 1 variant allele.

PreventionGenetics, part of Exact Sciences
Classification: Likely benign for NF1-related condition. Last evaluated: 2020-09-08. Review status: no assertion criteria provided. Collection method: clinical testing. Allele origin: germline. Not counted in ClinVar's aggregate classification.
Comment: This variant is classified as likely benign based on ACMG/AMP sequence variant interpretation guidelines (Richards et al. 2015 PMID: 25741868, with internal and published modifications).

Literature cited by the submitters: PubMed 10678181 (cited by Women's Health and Genetics/Laboratory Corporation of America, LabCorp); PubMed 23460398 (cited by Women's Health and Genetics/Laboratory Corporation of America, LabCorp); PubMed 29872168 (cited by Women's Health and Genetics/Laboratory Corporation of America, LabCorp); PubMed 27069254 (cited by Women's Health and Genetics/Laboratory Corporation of America, LabCorp); PubMed 31882575 (cited by Women's Health and Genetics/Laboratory Corporation of America, LabCorp).

NM_001042492.3(NF1):c.5793T>C (p.Ile1931=)

Gene: NF1 (neurofibromin 1; plus strand). Cytogenetic location: 17q11.2.
Variant type: single nucleotide variant.
Coding change: c.5793T>C on transcript NM_001042492.3 (MANE Select); coding-DNA position 5793, T replaced by C.
Protein change: p.Ile1931=; no amino-acid change (isoleucine 1931 retained).
Molecular consequence: synonymous variant.
Genome position (GRCh38, 1-based): chr17:31,330,479, T>C. VCF-style: chr17-31330479-T-C. GRCh37 (hg19) VCF-style: chr17-29657497-T-C.
Other names: c.5730T>C, p.Ile1910= (NM_000267.4).
Identifiers: ClinVar variation 187736 (VCV000187736.20), dbSNP rs779114598, ClinGen allele CA198440.
Genomic context (GRCh38, chr17:31,330,479, plus strand): 5'-TAGTAAGACACTGGCAGCCAATGAGCCACACCTCACGTTAGAATTTTTGGAAGAGTGTAT[T>C]TCTGGATTTAGCAAATCTAGTAAGTAATGATAATTTTCTTTAATACTAACAATTATTCTA-3'
Protein context (NP_001035957.1, residues 1921-1941): HLTLEFLEEC[Ile1931=]SGFSKSSIEL